The following is an entry in ClinVar:

NM_020964.3(EPG5):c.5942+8G>A

Gene: EPG5 (ectopic P-granules 5 autophagy tethering factor; minus strand). Cytogenetic location: 18q12.3.
Variant type: single nucleotide variant.
Coding change: c.5942+8G>A on transcript NM_020964.3 (MANE Select); 8 bases into the intron after coding-DNA position 5942, G replaced by A.
Molecular consequence: intron variant.
Genome position (GRCh38, 1-based): chr18:45,878,368, C>T on the plus strand (G>A on the coding strand, the complement: EPG5 is on the minus strand). VCF-style: chr18-45878368-C-T. GRCh37 (hg19) VCF-style: chr18-43458333-C-T.
Other names: c.5942+8G>A (NM_001410858.1, NM_001410859.1).
Identifiers: ClinVar variation 4997432 (VCV004997432.1).

ClinVar aggregate classification (germline): Likely benign (1 of 4 stars; one submission).

Conditions:
EPG5-related disorder. Also called: EPG5-related condition. Identifiers: MedGen CN381528.

Submission:

PreventionGenetics, part of Exact Sciences
Classification: Likely benign for EPG5-related condition. Last evaluated: 2024-12-28. Review status: criteria provided, single submitter. Criteria: ACMG Guidelines, 2015. Collection method: clinical testing. Allele origin: germline.
Comment: This variant is classified as likely benign based on ACMG/AMP sequence variant interpretation guidelines (Richards et al. 2015 PMID: 25741868, with internal and published modifications).